The following is an entry in ClinVar:

ClinVar aggregate classification (germline): Likely pathogenic (1 of 4 stars; one submission).

Conditions:
Cardiovascular phenotype. Identifiers: MedGen CN230736.

Submission:

Ambry Genetics
Classification: Likely pathogenic for Cardiovascular phenotype. Last evaluated: 2025-10-31. Review status: criteria provided, single submitter. Criteria: Ambry Variant Classification Scheme 2023. Collection method: clinical testing. Allele origin: germline.
Comment: The c.66608_66609delAA variant, located in coding exon 166 of the TTN gene, results from a deletion of two nucleotides at nucleotide positions 66608 to 66609, causing a translational frameshift with a predicted alternate stop codon (p.K22203Rfs*14). This exon is located in the A-band region of the N2-B isoform of the titin protein and is constitutively expressed in TTN transcripts (percent spliced in or PSI 100%). This variant is considered to be rare based on population cohorts in the Genome Aggregation Database (gnomAD). This alteration is expected to result in loss of function by premature protein truncation or nonsense-mediated mRNA decay. While truncating variants in TTN are present in 1-3% of the general population, truncating variants in the A-band are the most common cause of dilated cardiomyopathy (DCM) (Herman DS et al. N. Engl. J. Med., 2012 Feb;366:619-28; Roberts AM et al. Sci Transl Med, 2015 Jan;7:270ra6). TTN truncating variants encoded in constitutive exons (PSI >90%) have been found to be significantly associated with DCM regardless of their position in titin (Schafer S et al. Nat. Genet., 2017 01;49:46-53). Based on the majority of available evidence to date, this variant is likely to be pathogenic.

NM_001267550.2(TTN):c.93803_93804del (p.Lys31268fs)

Genes: TTN (titin; minus strand), TTN-AS1 (TTN antisense RNA 1; plus strand). Cytogenetic location: 2q31.2.
Variant type: Deletion.
Coding change: c.93803_93804del on transcript NM_001267550.2 (MANE Select); coding-DNA positions 93803 to 93804, 2 bases deleted (AA; older notation c.93803_93804delAA).
Protein change: p.Lys31268fs; shifts the reading frame from lysine 31268.
Molecular consequence: frameshift variant.
Genome position (GRCh38, 1-based): chr2:178,547,822-178,547,823, TT deleted on the plus strand (AA on the coding strand, the reverse complement: TTN is on the minus strand); deleting any 2 consecutive bases within chr2:178,547,822-178,547,825 gives the same sequence; the c. name uses the placement nearest the transcript's 3' end. VCF-style (leftmost placement, unchanged base first): chr2-178547821-CTT-C. GRCh37 (hg19) VCF-style: chr2-179412548-CTT-C.
Other names: c.66608_66609delAA (NM_003319.4); c.88880_88881del, p.Lys29627fs (NM_001256850.1); c.66608_66609del, p.Lys22203fs (NM_003319.4); c.86099_86100del, p.Lys28700fs (NM_133378.4); c.66983_66984del, p.Lys22328fs (NM_133432.3); c.67184_67185del, p.Lys22395fs (NM_133437.4); short protein forms K22328fs, K22395fs, K29627fs, K22203fs, K28700fs, K31268fs.
Identifiers: ClinVar variation 3330057 (VCV003330057.2).